The following is an entry in ClinVar:

NM_001009944.3(PKD1):c.4093G>A (p.Val1365Met)

Gene: PKD1 (polycystin 1, transient receptor potential channel interacting; minus strand). Cytogenetic location: 16p13.3.
Variant type: single nucleotide variant.
Coding change: c.4093G>A on transcript NM_001009944.3 (MANE Select); coding-DNA position 4093, G replaced by A.
Protein change: p.Val1365Met; replaces valine 1365 with methionine.
Molecular consequence: missense variant.
Genome position (GRCh38, 1-based): chr16:2,111,074, C>T on the plus strand (G>A on the coding strand, the complement: PKD1 is on the minus strand). VCF-style: chr16-2111074-C-T. GRCh37 (hg19) VCF-style: chr16-2161075-C-T.
Other names: c.4093G>A, p.Val1365Met (NM_000296.4); short protein forms V1365M.
Identifiers: ClinVar variation 3579547 (VCV003579547.4).
Genomic context (GRCh38, chr16:2,111,074, plus strand): 5'-GGGTGACGTTGCCCACCTCTGGCTCCACGCAGATGCTGGTGAAGTAATGCGCCCTGTTCA[C>T]GCGGCTGGACAGCACCAGCGCCAGGGGGAACGTGCCGCTCCGCGTGAAGTTGTGTGTCAC-3'
Protein context (NP_001009944.3, residues 1355-1375): FPLALVLSSR[Val1365Met]NRAHYFTSIC

ClinVar aggregate classification (germline): Uncertain significance. Review status: criteria provided, multiple submitters, no conflicts (2 of 4 stars). 3 submissions from 3 submitters: Uncertain significance (3). Last evaluated 2025-09-10.

Conditions:
Polycystic kidney disease, adult type (PKD1). Also called: Polycystic Kidney Disease 1, Autosomal Dominant; Polycystic kidney disease 1; Polycystic kidney disease 1, severe; POLYCYSTIC KIDNEY DISEASE 1 WITH OR WITHOUT POLYCYSTIC LIVER DISEASE; POLYCYSTIC KIDNEY DISEASE, ADULT, TYPE I; Polycystic Kidney, Autosomal Dominant. Identifiers: MedGen C3149841, MONDO:0008263, OMIM 173900.

gnomAD v4.1: 20 of 1,610,522 alleles (0.0012%); highest among the groups gnomAD compares: Middle Eastern, 0.022%; no homozygotes.

Submissions (3):

Genomic Medicine Center of Excellence, King Faisal Specialist Hospital and Research Centre
Classification: Uncertain significance for Polycystic kidney disease, adult type. Last evaluated: 2025-09-10. Review status: criteria provided, single submitter. Criteria: ACMG Guidelines, 2015. Collection method: clinical testing. Allele origin: germline.

Victorian Clinical Genetics Services, Murdoch Childrens Research Institute
Classification: Uncertain significance for Polycystic kidney disease, adult type. Last evaluated: 2025-07-17. Review status: criteria provided, single submitter. Criteria: ACMG Guidelines, 2015. Collection method: clinical testing. Allele origin: germline. Affected: yes.
Comment: This variant is classified as VUS-3C. Evidence in support of pathogenic classification: Variant is present in gnomAD <0.001 for a dominant condition (v4: 20 heterozygote(s), 0 homozygote(s)). Evidence in support of benign classification: Missense variant predicted to be tolerated by in silico tool(s) or not conserved in placental mammals with a minor amino acid change. Additional information: Variant is predicted to result in a missense amino acid change from valine to methionine; This variant is heterozygous; This gene is associated with autosomal dominant disease. Polycystic kidney disease 1 (MIM#173900) is predominantly caused by monoallelic variants, with rare reports of biallelic variants causing disease (OMIM); Previous evidence of pathogenicity for this variant is inconclusive. This variant has been classified as a VUS by a clinical laboratory in ClinVar; No published segregation evidence has been identified for this variant; No published functional evidence has been identified for this variant; No comparable missense variants have previous evidence for pathogenicity; Variant is located in the annotated PKD domain (DECIPHER); Loss of function is a known mechanism of disease in this gene and is associated with polycystic kidney disease 1 (MIM#173900); Inheritance information for this variant is not currently available in this individual.

Fulgent Genetics
Classification: Uncertain significance for Polycystic kidney disease, adult type. Last evaluated: 2024-06-03. Review status: criteria provided, single submitter. Criteria: ACMG Guidelines, 2015. Collection method: clinical testing. Allele origin: germline.